The following is an entry in ClinVar:

ClinVar aggregate classification (germline): Uncertain significance (1 of 4 stars; one submission).

Allele frequency attached by ClinVar (database versions not stated): gnomAD exomes 0.00001; TOPMed 0.00001; ExAC 0.00003.
gnomAD v4.1: 8 of 1,613,060 alleles (0.0005%); highest among the groups gnomAD compares: Admixed American, 0.01%; no homozygotes.

Submission:

Labcorp Genetics (formerly Invitae), Labcorp
Classification: Uncertain significance. Last evaluated: 2022-07-22. Review status: criteria provided, single submitter. Criteria: Invitae Variant Classification Sherloc (09022015). Collection method: clinical testing. Allele origin: germline.
Comment: This sequence change replaces proline, which is neutral and non-polar, with threonine, which is neutral and polar, at codon 9 of the ARHGEF10 protein (p.Pro9Thr). This variant is present in population databases (rs775611685, gnomAD 0.02%). This variant has not been reported in the literature in individuals affected with ARHGEF10-related conditions. Algorithms developed to predict the effect of missense changes on protein structure and function (SIFT, PolyPhen-2, Align-GVGD) all suggest that this variant is likely to be tolerated. In summary, the available evidence is currently insufficient to determine the role of this variant in disease. Therefore, it has been classified as a Variant of Uncertain Significance.

NM_014629.4(ARHGEF10):c.25C>A (p.Pro9Thr)

Genes: ARHGEF10 (Rho guanine nucleotide exchange factor 10; plus strand), LOC126860279 (CDK7 strongly-dependent group 2 enhancer GRCh37_chr8:1791725-1792924; plus strand). Cytogenetic location: 8p23.3.
Variant type: single nucleotide variant.
Coding change: c.25C>A on transcript NM_014629.4 (MANE Select); coding-DNA position 25, C replaced by A.
Protein change: p.Pro9Thr; replaces proline 9 with threonine.
Molecular consequence: missense variant.
Genome position (GRCh38, 1-based): chr8:1,843,424, C>A. VCF-style: chr8-1843424-C-A. GRCh37 (hg19) VCF-style: chr8-1791590-C-A.
Other names: c.25C>A, p.Pro9Thr (NM_001308152.2, NM_001308153.3); short protein forms P33T, P9T.
Identifiers: ClinVar variation 2176524 (VCV002176524.4), dbSNP rs775611685, ClinGen allele CA4599519.